The following is an entry in ClinVar:

NM_001042413.2(GLIS3):c.2494A>G (p.Lys832Glu)

Gene: GLIS3 (GLIS family zinc finger 3; minus strand). Cytogenetic location: 9p24.2.
Variant type: single nucleotide variant.
Coding change: c.2494A>G on transcript NM_001042413.2 (MANE Select); coding-DNA position 2494, A replaced by G.
Protein change: p.Lys832Glu; replaces lysine 832 with glutamic acid.
Molecular consequence: missense variant.
Genome position (GRCh38, 1-based): chr9:3,829,472, T>C on the plus strand (A>G on the coding strand, the complement: GLIS3 is on the minus strand). VCF-style: chr9-3829472-T-C. GRCh37 (hg19) VCF-style: chr9-3829472-T-C.
Other names: c.2029A>G, p.Lys677Glu (NM_152629.4); short protein forms K677E, K832E.
Identifiers: ClinVar variation 914328 (VCV000914328.9), dbSNP rs779354091, ClinGen allele CA4967740.

ClinVar aggregate classification (germline): Conflicting classifications of pathogenicity. Review status: criteria provided, conflicting classifications (1 of 4 stars). 6 submissions from 6 submitters: Uncertain significance (4); Likely benign (1). 1 of the submissions does not count toward it. Last evaluated 2025-07-02.

Conditions:
GLIS3-related disorder. Also called: GLIS3-related condition.
Neonatal diabetes mellitus with congenital hypothyroidism. Also called: NDH SYNDROME. Identifiers: Orphanet 79118, MedGen C1857775, MONDO:0012436, OMIM 610199.

Allele frequency attached by ClinVar (database versions not stated): gnomAD 0.00005 and 0.00006; TOPMed 0.00008; ExAC 0.00012.
gnomAD v4.1: 123 of 1,613,924 alleles (0.0076%); highest among the groups gnomAD compares: Non-Finnish European, 0.0012%; no homozygotes.

Submissions (6):

Labcorp Genetics (formerly Invitae), Labcorp
Classification: Likely benign. Last evaluated: 2025-07-02. Review status: criteria provided, single submitter. Criteria: Invitae Variant Classification Sherloc (09022015). Collection method: clinical testing. Allele origin: germline.

Fulgent Genetics
Classification: Uncertain significance for Neonatal diabetes mellitus with congenital hypothyroidism. Last evaluated: 2022-05-07. Review status: criteria provided, single submitter. Criteria: ACMG Guidelines, 2015. Collection method: clinical testing. Allele origin: unknown.

New York Genome Center
Classification: Uncertain significance for Neonatal diabetes mellitus with congenital hypothyroidism. Last evaluated: 2021-11-02. Review status: criteria provided, single submitter. Criteria: NYGC Assertion Criteria 2020. Collection method: clinical testing. Allele origin: germline. Observed: 1 heterozygote.

Illumina Laboratory Services, Illumina
Classification: Uncertain significance for Neonatal diabetes mellitus with congenital hypothyroidism. Last evaluated: 2018-01-13. Review status: criteria provided, single submitter. Criteria: ICSL Variant Classification Criteria 13 December 2019. Collection method: clinical testing. Allele origin: germline.

Breakthrough Genomics
Classification: Uncertain significance. Review status: criteria provided, single submitter. Criteria: ACMG Guidelines, 2015. Collection method: not provided. Allele origin: germline. Inheritance: Autosomal recessive inheritance. Affected: yes.

PreventionGenetics, part of Exact Sciences
Classification: Likely benign for GLIS3-related condition. Last evaluated: 2024-07-23. Review status: no assertion criteria provided. Collection method: clinical testing. Allele origin: germline. Not counted in ClinVar's aggregate classification.
Comment: This variant is classified as likely benign based on ACMG/AMP sequence variant interpretation guidelines (Richards et al. 2015 PMID: 25741868, with internal and published modifications).